The following is an entry in ClinVar:

ClinVar aggregate classification (germline): Conflicting classifications of pathogenicity. Review status: criteria provided, conflicting classifications (1 of 4 stars). 6 submissions from 6 submitters: Uncertain significance (1); Benign (1); Likely benign (4). Last evaluated 2026-01-26.

Conditions:
Hermansky-Pudlak syndrome 4 (HPS4). Identifiers: Orphanet 231500, Orphanet 79430, MedGen C3484357, MONDO:0013556, OMIM 614073.

Allele frequency attached by ClinVar (database versions not stated): gnomAD 0.00086 and 0.00087; 1000 Genomes Project 30x 0.00094; TOPMed 0.00097; 1000 Genomes Project 0.00100; gnomAD exomes 0.00108 and 0.00125; ExAC 0.00113; ESP Exome Variant Server 0.00115.
gnomAD v4.1: 1,926 of 1,590,996 alleles (0.12%); highest among the groups gnomAD compares: Middle Eastern, 0.59%; 4 homozygotes.

Submissions (6):

Labcorp Genetics (formerly Invitae), Labcorp
Classification: Likely benign. Last evaluated: 2026-01-26. Review status: criteria provided, single submitter. Criteria: Invitae Variant Classification Sherloc (09022015). Collection method: clinical testing. Allele origin: germline.

Mayo Clinic Laboratories, Mayo Clinic
Classification: Benign. Last evaluated: 2025-04-21. Review status: criteria provided, single submitter. Criteria: ACMG Guidelines, 2015. Collection method: clinical testing. Allele origin: germline. Observed: 2 variant alleles.
Comment: BS1, BS2, BP4, BP7

Blueprint Genetics
Classification: Likely benign. Last evaluated: 2024-11-07. Review status: criteria provided, single submitter. Criteria: ACMG Guidelines, 2015. Collection method: clinical testing. Allele origin: germline.

CeGaT Center for Human Genetics Tuebingen
Classification: Likely benign. Last evaluated: 2022-07-01. Review status: criteria provided, single submitter. Criteria: CeGaT Center For Human Genetics Tuebingen Variant Classification Criteria Version 2. Collection method: clinical testing. Allele origin: germline. Affected: yes. Observed: 1 variant allele.
Comment: HPS4: BP4, BP7

Illumina Laboratory Services, Illumina
Classification: Uncertain significance for Hermansky-Pudlak syndrome 4. Last evaluated: 2018-01-13. Review status: criteria provided, single submitter. Criteria: ICSL Variant Classification Criteria 13 December 2019. Collection method: clinical testing. Allele origin: germline.

Genetic Services Laboratory, University of Chicago
Classification: Likely benign. Last evaluated: 2015-06-08. Review status: criteria provided, single submitter. Criteria: ACMG Guidelines, 2015. Collection method: clinical testing. Allele origin: germline.

NM_022081.6(HPS4):c.888C>T (p.Asn296=)

Gene: HPS4 (HPS4 biogenesis of lysosomal organelles complex 3 subunit 2; minus strand). Cytogenetic location: 22q12.1.
Variant type: single nucleotide variant.
Coding change: c.888C>T on transcript NM_022081.6 (MANE Select); coding-DNA position 888, C replaced by T.
Protein change: p.Asn296=; no amino-acid change (asparagine 296 retained).
Molecular consequence: synonymous variant. On other transcripts: non-coding transcript variant (8).
Genome position (GRCh38, 1-based): chr22:26,464,742, G>A on the plus strand (C>T on the coding strand, the complement: HPS4 is on the minus strand). VCF-style: chr22-26464742-G-A. GRCh37 (hg19) VCF-style: chr22-26860708-G-A.
Other names: p.Asn296=; c.888C>T, p.Asn296= (NM_001349896.1, NM_001349898.2, NM_001349899.2 and 4 more transcripts); c.942C>T, p.Asn314= (NM_001349900.2, NM_001349901.1); c.873C>T, p.Asn291= (NM_152841.2).
Identifiers: ClinVar variation 211154 (VCV000211154.45), dbSNP rs138343171, ClinGen allele CA208754.